The following is an entry in ClinVar:

NM_022166.4(XYLT1):c.2028-23_2065dup

Gene: XYLT1 (xylosyltransferase 1; minus strand). Cytogenetic location: 16p12.3.
Variant type: Duplication.
Coding change: c.2028-23_2065dup on transcript NM_022166.4 (MANE Select); 23 bases into the intron before coding-DNA position 2028 through coding-DNA position 2065, 61 bases duplicated.
Molecular consequence: splice acceptor variant.
Genome position (GRCh38, 1-based): chr16:17,127,824-17,127,884, 61 bases duplicated. GRCh37 (hg19): chr16:17,221,681-17,221,741.
Other names: c.2028-23_2065dupTGCATGAGCGCCTGTGTTTTCAGATACTACCCAATGGGCCACCCAGCATCTGTGCACCTCT (NM_022166.4).
Identifiers: ClinVar variation 4850039 (VCV004850039.1).

ClinVar aggregate classification (germline): Likely pathogenic (1 of 4 stars; one submission).

Conditions:
Autosomal recessive XYLT1-related disorders.

Submission:

Variantyx, Inc.
Classification: Likely pathogenic for Autosomal recessive XYLT1-related disorders. Last evaluated: 2025-07-25. Review status: criteria provided, single submitter. Criteria: Variantyx Assertion Criteria 2022. Collection method: clinical testing. Allele origin: germline. Inheritance: Autosomal recessive inheritance. Affected: no.
Comment: This is a frameshift variant in the XYLT1 gene (OMIM: 608124). Pathogenic variants in this gene have been associated with autosomal recessive XYLT1-related disorders. This variant introduces a premature termination codon in exon 10 out of 12and is expected to result in loss of function, which is a known disease mechanism for XYLT1 in these disorders (PMID:23982343;20075945) (PVS1). This variant has a 0.0022% maximum allele frequency in non-founder control populations (PM2). Based on the current evidence, this variant is classified as likely pathogenic for autosomal recessive XYLT1-related disorders.

Literature cited by the submitters: PubMed 23982343; PubMed 20075945.